The following is an entry in ClinVar:

NM_032043.3(BRIP1):c.2232C>G (p.Asp744Glu)

Gene: BRIP1 (BRCA1 interacting DNA helicase 1; minus strand). Cytogenetic location: 17q23.2.
Variant type: single nucleotide variant.
Coding change: c.2232C>G on transcript NM_032043.3 (MANE Select); coding-DNA position 2232, C replaced by G.
Protein change: p.Asp744Glu; replaces aspartic acid 744 with glutamic acid.
Molecular consequence: missense variant.
Genome position (GRCh38, 1-based): chr17:61,744,457, G>C on the plus strand (C>G on the coding strand, the complement: BRIP1 is on the minus strand). VCF-style: chr17-61744457-G-C. GRCh37 (hg19) VCF-style: chr17-59821818-G-C.
Other names: short protein forms D744E.
Identifiers: ClinVar variation 434538 (VCV000434538.12), dbSNP rs374362388, ClinGen allele CA400482893.

ClinVar aggregate classification (germline): Uncertain significance. Review status: criteria provided, multiple submitters, no conflicts (2 of 4 stars). 4 submissions from 4 submitters: Uncertain significance (4). Last evaluated 2022-02-21.

Conditions:
Hereditary cancer-predisposing syndrome. Also called: Hereditary neoplastic syndrome; Tumor predisposition; Neoplastic Syndromes, Hereditary; Hereditary Cancer Syndrome. Identifiers: Orphanet 140162, MedGen C0027672, MeSH D009386, MONDO:0015356.
Familial cancer of breast. Also called: BREAST CANCER, FAMILIAL; Hereditary breast cancer; hereditary breast carcinoma. Identifiers: Orphanet 227535, MedGen C0346153, MONDO:0016419, OMIM 114480. Disease mechanism: loss of function.
Fanconi anemia complementation group J. Also called: BRIP1-Related Fanconi Anemia. Identifiers: Orphanet 84, MedGen C1836860, MONDO:0012187, OMIM 609054.

Submissions (4):

Labcorp Genetics (formerly Invitae), Labcorp
Classification: Uncertain significance for Familial cancer of breast; Fanconi anemia complementation group J. Last evaluated: 2022-02-21. Review status: criteria provided, single submitter. Criteria: Invitae Variant Classification Sherloc (09022015). Collection method: clinical testing. Allele origin: germline.
Comment: This sequence change replaces aspartic acid, which is acidic and polar, with glutamic acid, which is acidic and polar, at codon 744 of the BRIP1 protein (p.Asp744Glu). This variant is not present in population databases (gnomAD no frequency). This variant has not been reported in the literature in individuals affected with BRIP1-related conditions. ClinVar contains an entry for this variant (Variation ID: 434538). Algorithms developed to predict the effect of missense changes on protein structure and function are either unavailable or do not agree on the potential impact of this missense change (SIFT: "Tolerated"; PolyPhen-2: "Possibly Damaging"; Align-GVGD: "Class C0"). In summary, the available evidence is currently insufficient to determine the role of this variant in disease. Therefore, it has been classified as a Variant of Uncertain Significance.

Ambry Genetics
Classification: Uncertain significance for Hereditary cancer-predisposing syndrome. Last evaluated: 2020-04-27. Review status: criteria provided, single submitter. Criteria: Ambry Variant Classification Scheme 2023. Collection method: clinical testing. Allele origin: germline.
Comment: The p.D744E variant (also known as c.2232C>G), located in coding exon 14 of the BRIP1 gene, results from a C to G substitution at nucleotide position 2232. The aspartic acid at codon 744 is replaced by glutamic acid, an amino acid with highly similar properties. This amino acid position is well conserved in available vertebrate species. In addition, this alteration is predicted to be tolerated by in silico analysis. Since supporting evidence is limited at this time, the clinical significance of this alteration remains unclear.

Color Diagnostics, LLC DBA Color Health
Classification: Uncertain significance for Hereditary cancer-predisposing syndrome. Last evaluated: 2019-04-04. Review status: criteria provided, single submitter. Criteria: ACMG Guidelines, 2015. Collection method: clinical testing. Allele origin: germline.

Genetic Services Laboratory, University of Chicago
Classification: Uncertain significance. Last evaluated: 2016-10-25. Review status: criteria provided, single submitter. Criteria: ACMG Guidelines, 2015. Collection method: clinical testing. Allele origin: germline. Affected: no.